The following is an entry in ClinVar:

ClinVar aggregate classification (germline): Conflicting classifications of pathogenicity. Review status: criteria provided, conflicting classifications (1 of 4 stars). 9 submissions from 9 submitters: Uncertain significance (1); Benign (2); Likely benign (4). 2 of the submissions do not count toward it. Last evaluated 2026-07-01.

Conditions:
Osteogenesis imperfecta (OI). Identifiers: Orphanet 666, MedGen C0029434, MeSH D010013, MONDO:0019019.

Allele frequency attached by ClinVar (database versions not stated): 1000 Genomes Project 30x 0.00016; 1000 Genomes Project 0.00020; ExAC 0.00042; gnomAD exomes 0.00048 and 0.00071; gnomAD 0.00051 and 0.00061; TOPMed 0.00075; ESP Exome Variant Server 0.00077.
gnomAD v4.1: 1,136 of 1,614,114 alleles (0.07%); highest among the groups gnomAD compares: Non-Finnish European, 0.088%; 4 homozygotes.

Submissions (9):

CeGaT Center for Human Genetics Tuebingen
Classification: Likely benign. Last evaluated: 2026-07-01. Review status: criteria provided, single submitter. Criteria: CeGaT Center For Human Genetics Tuebingen Variant Classification Criteria Version 2. Collection method: clinical testing. Allele origin: germline. Affected: yes. Observed: 5 variant alleles.
Comment: LRP5: BP4, BP7

Labcorp Genetics (formerly Invitae), Labcorp
Classification: Likely benign. Last evaluated: 2026-01-12. Review status: criteria provided, single submitter. Criteria: Invitae Variant Classification Sherloc (09022015). Collection method: clinical testing. Allele origin: germline.

Mayo Clinic Laboratories, Mayo Clinic
Classification: Likely benign. Last evaluated: 2025-12-18. Review status: criteria provided, single submitter. Criteria: ACMG Guidelines, 2015. Collection method: clinical testing. Allele origin: germline. Observed: 1 variant allele.
Comment: BP4, BP7

Laboratory of Genetics, Children's Clinical University Hospital Latvia
Classification: Benign. Last evaluated: 2025-02-16. Review status: criteria provided, single submitter. Criteria: ACMG Guidelines, 2015. Collection method: clinical testing. Allele origin: germline. Affected: yes.

Blueprint Genetics
Classification: Likely benign. Last evaluated: 2024-10-30. Review status: criteria provided, single submitter. Criteria: ACMG Guidelines, 2015. Collection method: clinical testing. Allele origin: germline.

Women's Health and Genetics/Laboratory Corporation of America, LabCorp
Classification: Benign. Last evaluated: 2024-02-29. Review status: criteria provided, single submitter. Criteria: LabCorp Variant Classification Summary - May 2015. Collection method: clinical testing. Allele origin: germline.

Genome Diagnostics Laboratory, The Hospital for Sick Children
Classification: Uncertain significance for Osteogenesis imperfecta. Last evaluated: 2021-06-09. Review status: criteria provided, single submitter. Criteria: ACMG Guidelines, 2015. Collection method: clinical testing. Allele origin: germline.

Clinical Genetics DNA and cytogenetics Diagnostics Lab, Erasmus MC, Erasmus Medical Center
Classification: Likely benign. Review status: no assertion criteria provided. Collection method: clinical testing. Allele origin: germline. Affected: yes. Study: VKGL Data-share Consensus. Not counted in ClinVar's aggregate classification.

Joint Genome Diagnostic Labs from Nijmegen and Maastricht, Radboudumc and MUMC+
Classification: Likely benign. Review status: no assertion criteria provided. Collection method: clinical testing. Allele origin: germline. Affected: yes. Study: VKGL Data-share Consensus. Not counted in ClinVar's aggregate classification.

NM_002335.4(LRP5):c.291C>T (p.Ala97=)

Gene: LRP5 (LDL receptor related protein 5; plus strand). Cytogenetic location: 11q13.2.
Variant type: single nucleotide variant.
Coding change: c.291C>T on transcript NM_002335.4 (MANE Select); coding-DNA position 291, C replaced by T.
Protein change: p.Ala97=; no amino-acid change (alanine 97 retained).
Molecular consequence: synonymous variant. On other transcripts: 5 prime UTR variant (1).
Genome position (GRCh38, 1-based): chr11:68,348,046, C>T. VCF-style: chr11-68348046-C-T. GRCh37 (hg19) VCF-style: chr11-68115514-C-T.
Other names: p.Ala97=; c.-1475C>T (NM_001291902.2).
Identifiers: ClinVar variation 745716 (VCV000745716.43), dbSNP rs146667935, ClinGen allele CA6148954.